The following is an entry in ClinVar:

ClinVar aggregate classification (germline): Likely benign. Review status: criteria provided, multiple submitters, no conflicts (2 of 4 stars). 4 submissions from 4 submitters: Likely benign (4). Last evaluated 2026-01-05.

Conditions:
Nemaline myopathy 8 (NEM8). Also called: Nemaline myopathy 8, autosomal recessive. Identifiers: Orphanet 171430, MedGen C3809209, MONDO:0014138, OMIM 615348.

Allele frequency attached by ClinVar (database versions not stated): TOPMed 0.00064; 1000 Genomes Project 30x 0.00078; ESP Exome Variant Server 0.00015; 1000 Genomes Project 0.00060; gnomAD 0.00061.
gnomAD v4.1: 185 of 1,613,924 alleles (0.011%); highest among the groups gnomAD compares: African/African-American, 0.17%; no homozygotes.

Submissions (4):

Labcorp Genetics (formerly Invitae), Labcorp
Classification: Likely benign for Nemaline myopathy 8. Last evaluated: 2026-01-05. Review status: criteria provided, single submitter. Criteria: Invitae Variant Classification Sherloc (09022015). Collection method: clinical testing. Allele origin: germline.

Mayo Clinic Laboratories, Mayo Clinic
Classification: Likely benign. Last evaluated: 2025-07-31. Review status: criteria provided, single submitter. Criteria: ACMG Guidelines, 2015. Collection method: clinical testing. Allele origin: germline. Observed: 1 variant allele.
Comment: BP4, BP7

CeGaT Center for Human Genetics Tuebingen
Classification: Likely benign. Last evaluated: 2023-10-01. Review status: criteria provided, single submitter. Criteria: CeGaT Center For Human Genetics Tuebingen Variant Classification Criteria Version 2. Collection method: clinical testing. Allele origin: germline. Affected: yes. Observed: 1 variant allele.
Comment: KLHL40: BP4, BP7

GeneDx
Classification: Likely benign. Last evaluated: 2017-08-17. Review status: criteria provided, single submitter. Criteria: GeneDx Variant Classification (06012015). Collection method: clinical testing. Allele origin: germline. Affected: yes.
Comment: This variant is considered likely benign or benign based on one or more of the following criteria: it is a conservative change, it occurs at a poorly conserved position in the protein, it is predicted to be benign by multiple in silico algorithms, and/or has population frequency not consistent with disease.

NM_152393.4(KLHL40):c.1293G>A (p.Ser431=)

Gene: KLHL40 (kelch like family member 40; plus strand). Cytogenetic location: 3p22.1.
Variant type: single nucleotide variant.
Coding change: c.1293G>A on transcript NM_152393.4 (MANE Select); coding-DNA position 1293, G replaced by A.
Protein change: p.Ser431=; no amino-acid change (serine 431 retained).
Molecular consequence: synonymous variant.
Genome position (GRCh38, 1-based): chr3:42,688,282, G>A. VCF-style: chr3-42688282-G-A. GRCh37 (hg19) VCF-style: chr3-42729774-G-A.
Other names: p.Ser431=.
Identifiers: ClinVar variation 474325 (VCV000474325.34), dbSNP rs150475700, ClinGen allele CA2336882.